The following is an entry in ClinVar:

NM_001127644.2(GABRA1):c.565T>C (p.Tyr189His)

Gene: GABRA1 (gamma-aminobutyric acid type A receptor subunit alpha1; plus strand). Cytogenetic location: 5q34.
Variant type: single nucleotide variant.
Coding change: c.565T>C on transcript NM_001127644.2 (MANE Select); coding-DNA position 565, T replaced by C.
Protein change: p.Tyr189His; replaces tyrosine 189 with histidine.
Molecular consequence: missense variant.
Genome position (GRCh38, 1-based): chr5:161,882,563, T>C. VCF-style: chr5-161882563-T-C. GRCh37 (hg19) VCF-style: chr5-161309569-T-C.
Other names: c.565T>C, p.Tyr189His (NM_000806.5, NM_001127643.2, NM_001127645.2 and 1 more transcripts); short protein forms Y189H.
Identifiers: ClinVar variation 2941075 (VCV002941075.4), dbSNP rs2532261663, ClinGen allele CA362179400.
Genomic context (GRCh38, chr5:161,882,563, plus strand): 5'-ATAAGAGAATTGAAGTGGTAAAATATATGGATCATTTTCTACTGTTTCCTTTTAGATGCT[T>C]ATACAAGAGCAGAAGTTGTTTATGAATGGACCAGAGAGCCAGCACGCTCAGTGGTTGTAG-3'
Protein context (NP_001121116.1, residues 179-199): ACPLKFGSYA[Tyr189His]TRAEVVYEWT

ClinVar aggregate classification (germline): Uncertain significance. Review status: criteria provided, multiple submitters, no conflicts (2 of 4 stars). 2 submissions from 2 submitters: Uncertain significance (2). Last evaluated 2025-03-26.

Conditions:
Epilepsy, idiopathic generalized, susceptibility to, 13. Also called: EPILEPSY, JUVENILE MYOCLONIC, SUSCEPTIBILITY TO, 5. Identifiers: Orphanet 307, Orphanet 64280, MedGen C4013473, MONDO:0012627, OMIM 611136.
Idiopathic generalized epilepsy. Also called: Generalised epilepsy; EIG. Identifiers: MedGen C0270850, MONDO:0005579, OMIM 600669.
Epilepsy, childhood absence 4 (ECA4). Also called: EPILEPSY, CHILDHOOD ABSENCE, SUSCEPTIBILITY TO, 4. Identifiers: Orphanet 307, MedGen C1970160.

Submissions (2):

Labcorp Genetics (formerly Invitae), Labcorp
Classification: Uncertain significance for Epilepsy, childhood absence 4; Epilepsy, idiopathic generalized, susceptibility to, 13; Idiopathic generalized epilepsy. Last evaluated: 2025-03-26. Review status: criteria provided, single submitter. Criteria: Invitae Variant Classification Sherloc (09022015). Collection method: clinical testing. Allele origin: germline.
Comment: This sequence change replaces tyrosine, which is neutral and polar, with histidine, which is basic and polar, at codon 189 of the GABRA1 protein (p.Tyr189His). This variant is not present in population databases (gnomAD no frequency). This variant has not been reported in the literature in individuals affected with GABRA1-related conditions. ClinVar contains an entry for this variant (Variation ID: 2941075). Invitae Evidence Modeling of protein sequence and biophysical properties (such as structural, functional, and spatial information, amino acid conservation, physicochemical variation, residue mobility, and thermodynamic stability) has been performed for this missense variant. However, the output from this modeling did not meet the statistical confidence thresholds required to predict the impact of this variant on GABRA1 protein function. In summary, the available evidence is currently insufficient to determine the role of this variant in disease. Therefore, it has been classified as a Variant of Uncertain Significance.

GeneDx
Classification: Uncertain significance. Last evaluated: 2024-02-07. Review status: criteria provided, single submitter. Criteria: GeneDx Variant Classification Process June 2021. Collection method: clinical testing. Allele origin: germline. Affected: yes.
Comment: Not observed at significant frequency in large population cohorts (gnomAD); In silico analysis supports that this missense variant has a deleterious effect on protein structure/function; Has not been previously published as pathogenic or benign to our knowledge